The following is an entry in ClinVar:

ClinVar aggregate classification (germline): Uncertain significance (1 of 4 stars; one submission).

Conditions:
Hereditary spastic paraplegia 11. Also called: SPASTIC PARAPLEGIA, AUTOSOMAL RECESSIVE, COMPLICATED, WITH THIN CORPUS CALLOSUM; SPASTIC PARAPLEGIA, AUTOSOMAL RECESSIVE, WITH MENTAL IMPAIRMENT AND THIN CORPUS CALLOSUM; Spastic paraplegia, mental retardation and thin corpus callosum; Nakamura Osame syndrome; Autosomal recessive hereditary spastic paraplegia, mental impairment, and thin corpus callosum; Spastic Paraplegia 11. Identifiers: Orphanet 2822, MedGen C1858479, MONDO:0011445, OMIM 604360.

Allele frequency attached by ClinVar (database versions not stated): gnomAD exomes below 0.00001.
gnomAD v4.1: 3 of 1,614,096 alleles (0.00019%); highest among the groups gnomAD compares: Middle Eastern, 0.033%; no homozygotes.

Submission:

Labcorp Genetics (formerly Invitae), Labcorp
Classification: Uncertain significance for Hereditary spastic paraplegia 11. Last evaluated: 2023-11-27. Review status: criteria provided, single submitter. Criteria: Invitae Variant Classification Sherloc (09022015). Collection method: clinical testing. Allele origin: germline.
Comment: This sequence change replaces histidine, which is basic and polar, with arginine, which is basic and polar, at codon 891 of the SPG11 protein (p.His891Arg). This variant is present in population databases (no rsID available, gnomAD no frequency). This variant has not been reported in the literature in individuals affected with SPG11-related conditions. ClinVar contains an entry for this variant (Variation ID: 858269). Advanced modeling of protein sequence and biophysical properties (such as structural, functional, and spatial information, amino acid conservation, physicochemical variation, residue mobility, and thermodynamic stability) performed at Invitae indicates that this missense variant is expected to disrupt SPG11 protein function with a positive predictive value of 80%. In summary, the available evidence is currently insufficient to determine the role of this variant in disease. Therefore, it has been classified as a Variant of Uncertain Significance.

NM_025137.4(SPG11):c.2672A>G (p.His891Arg)

Gene: SPG11 (SPG11 vesicle trafficking associated, spatacsin; minus strand). Cytogenetic location: 15q21.1.
Variant type: single nucleotide variant.
Coding change: c.2672A>G on transcript NM_025137.4 (MANE Select); coding-DNA position 2672, A replaced by G.
Protein change: p.His891Arg; replaces histidine 891 with arginine.
Molecular consequence: missense variant.
Genome position (GRCh38, 1-based): chr15:44,620,352, T>C on the plus strand (A>G on the coding strand, the complement: SPG11 is on the minus strand). VCF-style: chr15-44620352-T-C. GRCh37 (hg19) VCF-style: chr15-44912550-T-C.
Other names: c.2672A>G, p.His891Arg (NM_001160227.2); short protein forms H891R.
Identifiers: ClinVar variation 858269 (VCV000858269.7), dbSNP rs1215566981, ClinGen allele CA392230889.